The following is an entry in ClinVar:

ClinVar aggregate classification (germline): Uncertain significance. Review status: criteria provided, multiple submitters, no conflicts (2 of 4 stars). 2 submissions from 2 submitters: Uncertain significance (2). Last evaluated 2025-07-02.

Allele frequency attached by ClinVar (database versions not stated): gnomAD 0.00001; TOPMed 0.00002; gnomAD exomes 0.00003.
gnomAD v4.1: 39 of 1,613,950 alleles (0.0024%); highest among the groups gnomAD compares: East Asian, 0.058%; no homozygotes.

Submissions (2):

Ambry Genetics
Classification: Uncertain significance. Last evaluated: 2025-07-02. Review status: criteria provided, single submitter. Criteria: Ambry Variant Classification Scheme 2023. Collection method: clinical testing. Allele origin: germline.

Labcorp Genetics (formerly Invitae), Labcorp
Classification: Uncertain significance. Last evaluated: 2022-09-06. Review status: criteria provided, single submitter. Criteria: Invitae Variant Classification Sherloc (09022015). Collection method: clinical testing. Allele origin: germline.
Comment: This sequence change replaces arginine, which is basic and polar, with cysteine, which is neutral and slightly polar, at codon 171 of the CDCA7 protein (p.Arg171Cys). This variant is present in population databases (rs780814022, gnomAD 0.03%). This variant has not been reported in the literature in individuals affected with CDCA7-related conditions. ClinVar contains an entry for this variant (Variation ID: 1410966). Algorithms developed to predict the effect of missense changes on protein structure and function are either unavailable or do not agree on the potential impact of this missense change (SIFT: "Deleterious"; PolyPhen-2: "Possibly Damaging"; Align-GVGD: "Class C15"). In summary, the available evidence is currently insufficient to determine the role of this variant in disease. Therefore, it has been classified as a Variant of Uncertain Significance.

NM_031942.5(CDCA7):c.511C>T (p.Arg171Cys)

Gene: CDCA7 (cell division cycle associated 7; plus strand). Cytogenetic location: 2q31.1.
Variant type: single nucleotide variant.
Coding change: c.511C>T on transcript NM_031942.5 (MANE Select); coding-DNA position 511, C replaced by T.
Protein change: p.Arg171Cys; replaces arginine 171 with cysteine.
Molecular consequence: missense variant.
Genome position (GRCh38, 1-based): chr2:173,363,352, C>T. VCF-style: chr2-173363352-C-T. GRCh37 (hg19) VCF-style: chr2-174228080-C-T.
Other names: c.274C>T, p.Arg92Cys (NM_145810.3); c.511C>T (NM_031942.4); short protein forms R171C, R92C.
Identifiers: ClinVar variation 1410966 (VCV001410966.6), dbSNP rs780814022, ClinGen allele CA1971256.
Genomic context (GRCh38, chr2:173,363,352, plus strand): 5'-GTGGCGATGAAGTTTCCAGCGCGGAGTACCAGGGGAGCAACCAACAAAAAAGCAGAGTCC[C>T]GCCAGCCCTCAGAGAATTCTGTGACTGATTCCAACTCCGATTCAGAAGATGAAAGTGGAA-3'
Protein context (NP_114148.3, residues 161-181): RGATNKKAES[Arg171Cys]QPSENSVTDS